The following is an entry in ClinVar:

ClinVar aggregate classification (germline): Uncertain significance (1 of 4 stars; one submission).

Submission:

Labcorp Genetics (formerly Invitae), Labcorp
Classification: Uncertain significance. Last evaluated: 2024-02-17. Review status: criteria provided, single submitter. Criteria: Invitae Variant Classification Sherloc (09022015). Collection method: clinical testing. Allele origin: germline.
Comment: This sequence change falls in intron 15 of the SLC12A3 gene. It does not directly change the encoded amino acid sequence of the SLC12A3 protein. This variant is not present in population databases (gnomAD no frequency). This variant has been observed in individual(s) with clinical features of Gitelman syndrome (Invitae). In at least one individual the data is consistent with being in trans (on the opposite chromosome) from a pathogenic variant. Experimental studies and prediction algorithms are not available or were not evaluated, and the effect of this variant on mRNA splicing is currently unknown. In summary, the available evidence is currently insufficient to determine the role of this variant in disease. Therefore, it has been classified as a Variant of Uncertain Significance.

NM_001126108.2(SLC12A3):c.1926-2_1929dup

Gene: SLC12A3 (solute carrier family 12 member 3; plus strand). Cytogenetic location: 16q13.
Variant type: Duplication.
Coding change: c.1926-2_1929dup on transcript NM_001126108.2 (MANE Select); the canonical splice acceptor site of the intron before coding-DNA position 1926 through coding-DNA position 1929, 6 bases duplicated (AGCCCC; older notation c.1926-2_1929dupAGCCCC).
Molecular consequence: splice acceptor variant.
Genome position (GRCh38, 1-based): chr16:56,886,362-56,886,367, AGCCCC duplicated; duplicating any 6 consecutive bases within chr16:56,886,361-56,886,367 gives the same sequence; the c. name uses the placement nearest the transcript's 3' end. VCF-style (leftmost placement, unchanged base first): chr16-56886360-T-TCAGCCC. GRCh37 (hg19) VCF-style: chr16-56920272-T-TCAGCCC.
Other names: c.1926-2_1929dup (NM_000339.3); c.1923-2_1926dup (NM_001126107.2, NM_001410896.1).
Identifiers: ClinVar variation 2918072 (VCV002918072.3), dbSNP rs757663793, ClinGen allele CA8069664.